The following is an entry in ClinVar:

NM_003361.4(UMOD):c.744C>G (p.Cys248Trp)

Gene: UMOD (uromodulin; minus strand). Cytogenetic location: 16p12.3.
Variant type: single nucleotide variant.
Coding change: c.744C>G on transcript NM_003361.4 (MANE Select); coding-DNA position 744, C replaced by G.
Protein change: p.Cys248Trp; replaces cysteine 248 with tryptophan.
Molecular consequence: missense variant. On other transcripts: non-coding transcript variant (1).
Genome position (GRCh38, 1-based): chr16:20,348,557, G>C on the plus strand (C>G on the coding strand, the complement: UMOD is on the minus strand). VCF-style: chr16-20348557-G-C. GRCh37 (hg19) VCF-style: chr16-20359879-G-C.
Other names: c.744C>G, p.Cys248Trp (NM_001008389.3, NM_001378232.1, NM_001378233.1 and 3 more transcripts); c.843C>G, p.Cys281Trp (NM_001278614.2); short protein forms C248W, C281W.
Identifiers: ClinVar variation 287876 (VCV000287876.17), dbSNP rs886043751, ClinGen allele CA10605900.

ClinVar aggregate classification (germline): Pathogenic. Review status: criteria provided, multiple submitters, no conflicts (2 of 4 stars). 4 submissions from 4 submitters: Pathogenic (2). 2 of the submissions do not count toward it. Last evaluated 2021-11-02.

Conditions:
UMOD-related disorder. Also called: UMOD-related condition.
Familial juvenile hyperuricemic nephropathy type 1 (ADTKD1). Also called: UMOD-Associated Kidney Disease; Uromodulin-associated kidney disease; Autosomal Dominant Tubulointerstitial Kidney Disease – UMOD; Glomerulocystic kidney disease with hyperuricemia and isosthenuria; Medullary cystic kidney disease 2. Identifiers: Orphanet 209886, Orphanet 34149, Orphanet 88950, MedGen C4551496, MONDO:0008073, OMIM 162000.

Submissions (4):

Labcorp Genetics (formerly Invitae), Labcorp
Classification: Pathogenic. Last evaluated: 2021-11-02. Review status: criteria provided, single submitter. Criteria: Invitae Variant Classification Sherloc (09022015). Collection method: clinical testing. Allele origin: germline.
Comment: Experimental studies have shown that this missense change affects UMOD function (PMID: 23988501). This sequence change replaces cysteine, which is neutral and slightly polar, with tryptophan, which is neutral and slightly polar, at codon 248 of the UMOD protein (p.Cys248Trp). This variant is not present in population databases (gnomAD no frequency). This missense change has been observed in individuals with UMOD-related conditions (PMID: 14531790, 17245395, 23988501). It has also been observed to segregate with disease in related individuals. This variant is also known as C849G. ClinVar contains an entry for this variant (Variation ID: 287876). Algorithms developed to predict the effect of missense changes on protein structure and function are either unavailable or do not agree on the potential impact of this missense change (SIFT: "Deleterious"; PolyPhen-2: "Probably Damaging"; Align-GVGD: "Class C0"). For these reasons, this variant has been classified as Pathogenic.

Eurofins Ntd Llc (ga)
Classification: Pathogenic. Last evaluated: 2016-05-19. Review status: criteria provided, single submitter. Criteria: EGL Classification Definitions 2015. Collection method: clinical testing. Allele origin: germline. Observed: 1 variant allele, 1 heterozygote.

PreventionGenetics, part of Exact Sciences
Classification: Pathogenic for UMOD-related condition. Last evaluated: 2024-01-12. Review status: no assertion criteria provided. Collection method: clinical testing. Allele origin: germline. Not counted in ClinVar's aggregate classification.
Comment: The UMOD c.744C>G variant is predicted to result in the amino acid substitution p.Cys248Trp. This variant has reported in several individuals in families with uromodulin-associated kidney disease (Wolf et al. 2003. PubMed ID: 14531790; Wolf et al. 2007. PubMed ID: 17245395; family F2, Liu et al. 2013. PubMed ID: 23988501; ID: F9, Gong et al. 2021. PubMed ID: 33574344). Immunofluorescence studies demonstrate that expression of this variant affects uromodulin intracellular trafficking (Liu et al. 2013. PubMed ID: 23988501). This variant has not been reported in a large population database, indicating this variant is rare. Additionally, a different missense change impacting the same amino acid (p.Cys248Ser) has been reported in members of a family with uromodulin-associated kidney disease (family F6, Zaucke et al. 2010. PubMed ID: 20172860). Taken together, the p.Cys248Trp variant is interpreted as pathogenic.

GeneReviews
No classification provided. Condition: Familial juvenile hyperuricemic nephropathy type 1. Review status: no classification provided. Collection method: literature only. Allele origin: germline. Not counted in ClinVar's aggregate classification.
Comment: Possible association with Later onset of ESRD

Literature cited by the submitters: PubMed 23988501 (cited by Labcorp Genetics (formerly Invitae), Labcorp); PubMed 14531790 (cited by Labcorp Genetics (formerly Invitae), Labcorp); PubMed 17245395 (cited by Labcorp Genetics (formerly Invitae), Labcorp and Eurofins Ntd Llc (ga)); PubMed 32954071 (cited by GeneReviews).